The following is an entry in ClinVar:

NM_004629.2(FANCG):c.1437C>G (p.Cys479Trp)

Gene: FANCG (FA complementation group G; minus strand). Cytogenetic location: 9p13.3.
Variant type: single nucleotide variant.
Coding change: c.1437C>G on transcript NM_004629.2 (MANE Select); coding-DNA position 1437, C replaced by G.
Protein change: p.Cys479Trp; replaces cysteine 479 with tryptophan.
Molecular consequence: missense variant.
Genome position (GRCh38, 1-based): chr9:35,075,322, G>C on the plus strand (C>G on the coding strand, the complement: FANCG is on the minus strand). VCF-style: chr9-35075322-G-C. GRCh37 (hg19) VCF-style: chr9-35075319-G-C.
Other names: short protein forms C479W.
Identifiers: ClinVar variation 1431891 (VCV001431891.8), dbSNP rs904322133, ClinGen allele CA373306085.

ClinVar aggregate classification (germline): Uncertain significance (1 of 4 stars; one submission).

Conditions:
Fanconi anemia (FA). Also called: Fanconi's anemia. Identifiers: Orphanet 84, MedGen C0015625, MeSH D005199, MONDO:0019391.

Submission:

Labcorp Genetics (formerly Invitae), Labcorp
Classification: Uncertain significance for Fanconi anemia. Last evaluated: 2021-07-29. Review status: criteria provided, single submitter. Criteria: Invitae Variant Classification Sherloc (09022015). Collection method: clinical testing. Allele origin: germline.
Comment: In summary, the available evidence is currently insufficient to determine the role of this variant in disease. Therefore, it has been classified as a Variant of Uncertain Significance. Algorithms developed to predict the effect of missense changes on protein structure and function are either unavailable or do not agree on the potential impact of this missense change (SIFT: "Deleterious"; PolyPhen-2: "Probably Damaging"; Align-GVGD: "Class C15"). This variant has been observed in individual(s) with Fanconi anemia (Invitae). This variant is not present in population databases (ExAC no frequency). This sequence change replaces cysteine with tryptophan at codon 479 of the FANCG protein (p.Cys479Trp). The cysteine residue is highly conserved and there is a large physicochemical difference between cysteine and tryptophan.